The following is an entry in ClinVar:

ClinVar aggregate classification (germline): Uncertain significance (1 of 4 stars; one submission).

Allele frequency attached by ClinVar (database versions not stated): gnomAD 0.00001.
gnomAD v4.1: 9 of 1,613,692 alleles (0.00056%); highest among the groups gnomAD compares: Non-Finnish European, 0.00068%; no homozygotes.

Submission:

Ambry Genetics
Classification: Uncertain significance. Last evaluated: 2023-11-03. Review status: criteria provided, single submitter. Criteria: Ambry Variant Classification Scheme 2023. Collection method: clinical testing. Allele origin: germline.
Comment: The p.T710A variant (also known as c.2128A>G), located in coding exon 18 of the RAD54L gene, results from an A to G substitution at nucleotide position 2128. The threonine at codon 710 is replaced by alanine, an amino acid with similar properties. This amino acid position is conserved. In addition, this alteration is predicted to be tolerated by in silico analysis. Since supporting evidence is limited at this time, the clinical significance of this alteration remains unclear.

NM_003579.4(RAD54L):c.2128A>G (p.Thr710Ala)

Genes: LRRC41 (leucine rich repeat containing 41; minus strand), RAD54L (RAD54 like; plus strand). Cytogenetic location: 1p34.1.
Variant type: single nucleotide variant.
Coding change: c.2128A>G on transcript NM_003579.4 (MANE Select); coding-DNA position 2128, A replaced by G.
Protein change: p.Thr710Ala; replaces threonine 710 with alanine.
Molecular consequence: missense variant. On other transcripts: 3 prime UTR variant (1).
Genome position (GRCh38, 1-based): chr1:46,278,166, A>G. VCF-style: chr1-46278166-A-G. GRCh37 (hg19) VCF-style: chr1-46743838-A-G.
Other names: c.*699T>C (NM_006369.5); c.2128A>G, p.Thr710Ala (NM_001142548.2); c.1588A>G, p.Thr530Ala (NM_001370766.1); short protein forms T710A, T530A.
Identifiers: ClinVar variation 1786343 (VCV001786343.2), dbSNP rs377132922, ClinGen allele CA340191258.